The following is an entry in ClinVar:

NM_004655.4(AXIN2):c.2418A>T (p.Lys806Asn)

Gene: AXIN2 (axin 2; minus strand). Cytogenetic location: 17q24.1.
Variant type: single nucleotide variant.
Coding change: c.2418A>T on transcript NM_004655.4 (MANE Select); coding-DNA position 2418, A replaced by T.
Protein change: p.Lys806Asn; replaces lysine 806 with asparagine.
Molecular consequence: missense variant.
Genome position (GRCh38, 1-based): chr17:65,530,090, T>A on the plus strand (A>T on the coding strand, the complement: AXIN2 is on the minus strand). VCF-style: chr17-65530090-T-A. GRCh37 (hg19) VCF-style: chr17-63526208-T-A.
Other names: c.2223A>T, p.Lys741Asn (NM_001363813.1); short protein forms K741N, K806N.
Identifiers: ClinVar variation 5032576 (VCV005032576.1).

ClinVar aggregate classification (germline): Uncertain significance (1 of 4 stars; one submission).

Conditions:
Hereditary cancer-predisposing syndrome. Also called: Neoplastic Syndromes, Hereditary; Tumor predisposition; Hereditary neoplastic syndrome; Hereditary Cancer Syndrome. Identifiers: Orphanet 140162, MedGen C0027672, MeSH D009386, MONDO:0015356.

Submission:

Ambry Genetics
Classification: Uncertain significance for Hereditary cancer-predisposing syndrome. Last evaluated: 2026-07-06. Review status: criteria provided, single submitter. Criteria: Ambry Variant Classification Scheme 2023. Collection method: clinical testing. Allele origin: germline.
Comment: The p.K806N variant (also known as c.2418A>T), located in coding exon 10 of the AXIN2 gene, results from an A to T substitution at nucleotide position 2418. The lysine at codon 806 is replaced by asparagine, an amino acid with similar properties. This amino acid position is conserved. In addition, the in silico prediction for this alteration is inconclusive. Based on the available evidence, the clinical significance of this variant remains unclear.